The following is an entry in ClinVar:

NM_025114.4(CEP290):c.6012-10T>A

Gene: CEP290 (centrosomal protein 290; minus strand). Cytogenetic location: 12q21.32.
Variant type: single nucleotide variant.
Coding change: c.6012-10T>A on transcript NM_025114.4 (MANE Select); 10 bases into the intron before coding-DNA position 6012, T replaced by A.
Molecular consequence: intron variant.
Genome position (GRCh38, 1-based): chr12:88,068,655, A>T on the plus strand (T>A on the coding strand, the complement: CEP290 is on the minus strand). VCF-style: chr12-88068655-A-T. GRCh37 (hg19) VCF-style: chr12-88462432-A-T.
Identifiers: ClinVar variation 2634197 (VCV002634197.2), dbSNP rs370345329, ClinGen allele CA6711592.
Genomic context (GRCh38, chr12:88,068,655, plus strand): 5'-TGTAAATGTAAATCTTCTACAACAGAATCTCGAGGAAGAGCTTGGTGGGCCCTATGAACA[A>T]CAATCACAGACTCTTTACTATTCACATTTCATCTTTTTTCTGTTGTACTATATAAAAATA-3'

ClinVar aggregate classification (germline): Uncertain significance (0 of 4 stars; one submission).

Conditions:
CEP290-related disorder. Also called: CEP290-related condition; CEP290-related disorders. Identifiers: MedGen CN239314.

Allele frequency attached by ClinVar (database versions not stated): ExAC 0.00002; gnomAD 0.00003; TOPMed 0.00003; ESP Exome Variant Server 0.00017.

Submission:

PreventionGenetics, part of Exact Sciences
Classification: Uncertain significance for CEP290-related condition. Last evaluated: 2024-07-08. Review status: no assertion criteria provided. Collection method: clinical testing. Allele origin: germline.
Comment: The CEP290 c.6012-10T>A variant is predicted to interfere with splicing. To our knowledge, this variant has not been reported in the literature. This variant is predicted to weaken the canonical splice acceptor site at the junction of intron 43 and exon 44 based on available splicing prediction programs (Alamut Visual v2.11). However, the use of computer prediction programs is not equivalent to functional evidence. This variant is reported in 0.022% of alleles in individuals of African descent in gnomAD. A nearby splicing variant c.6012-12T>A has been reported to be causative for Joubert syndrome (Tsurusaki et al. 2013. PubMed ID: 23034536; Suzuki et al. 2016. PubMed ID: 27434533). At this time, the clinical significance of the c.6012-10T>A variant is uncertain due to the absence of conclusive functional and genetic evidence.